The following is an entry in ClinVar:

NM_007254.4(PNKP):c.1126+5G>A

Gene: PNKP (polynucleotide kinase 3'-phosphatase; minus strand). Cytogenetic location: 19q13.33.
Variant type: single nucleotide variant.
Coding change: c.1126+5G>A on transcript NM_007254.4 (MANE Select); 5 bases into the intron after coding-DNA position 1126, G replaced by A.
Molecular consequence: intron variant.
Genome position (GRCh38, 1-based): chr19:49,862,180, C>T on the plus strand (G>A on the coding strand, the complement: PNKP is on the minus strand). VCF-style: chr19-49862180-C-T. GRCh37 (hg19) VCF-style: chr19-50365437-C-T.
Identifiers: ClinVar variation 893801 (VCV000893801.5), dbSNP rs1385764453, ClinGen allele CA633895281.

ClinVar aggregate classification (germline): Uncertain significance. Review status: criteria provided, multiple submitters, no conflicts (2 of 4 stars). 2 submissions from 2 submitters: Uncertain significance (2). Last evaluated 2025-03-11.

Conditions:
Microcephaly, seizures, and developmental delay. Identifiers: Orphanet 1934, MedGen C3150667, MONDO:0013254, OMIM 613402.

Allele frequency attached by ClinVar (database versions not stated): gnomAD exomes below 0.00001; gnomAD 0.00001.
gnomAD v4.1: 6 of 1,613,780 alleles (0.00037%); highest among the groups gnomAD compares: Non-Finnish European, 0.00051%; no homozygotes.

Submissions (2):

Mayo Clinic Laboratories, Mayo Clinic
Classification: Uncertain significance. Last evaluated: 2025-03-11. Review status: criteria provided, single submitter. Criteria: ACMG Guidelines, 2015. Collection method: clinical testing. Allele origin: germline. Observed: 1 variant allele.
Comment: PP3, PM2_supporting

Illumina Laboratory Services, Illumina
Classification: Uncertain significance for Microcephaly, seizures, and developmental delay. Last evaluated: 2018-01-13. Review status: criteria provided, single submitter. Criteria: ICSL Variant Classification Criteria 13 December 2019. Collection method: clinical testing. Allele origin: germline.